The following is an entry in ClinVar:

NM_001287.6(CLCN7):c.2300G>A (p.Arg767Gln)

Gene: CLCN7 (chloride voltage-gated channel 7; minus strand). Cytogenetic location: 16p13.3.
Variant type: single nucleotide variant.
Coding change: c.2300G>A on transcript NM_001287.6 (MANE Select); coding-DNA position 2300, G replaced by A.
Protein change: p.Arg767Gln; replaces arginine 767 with glutamine.
Molecular consequence: missense variant.
Genome position (GRCh38, 1-based): chr16:1,447,037, C>T on the plus strand (G>A on the coding strand, the complement: CLCN7 is on the minus strand). VCF-style: chr16-1447037-C-T. GRCh37 (hg19) VCF-style: chr16-1497038-C-T.
Other names: c.2228G>A, p.Arg743Gln (NM_001114331.3); short protein forms R767Q, R743Q.
Identifiers: ClinVar variation 3721939 (VCV003721939.2).

ClinVar aggregate classification (germline): Uncertain significance (1 of 4 stars; one submission).

gnomAD v4.1: 7 of 1,602,092 alleles (0.00044%); highest among the groups gnomAD compares: Non-Finnish European, 0.00051%; no homozygotes.

Submission:

Labcorp Genetics (formerly Invitae), Labcorp
Classification: Uncertain significance. Last evaluated: 2024-11-19. Review status: criteria provided, single submitter. Criteria: Invitae Variant Classification Sherloc (09022015). Collection method: clinical testing. Allele origin: germline.
Comment: This sequence change replaces arginine, which is basic and polar, with glutamine, which is neutral and polar, at codon 767 of the CLCN7 protein (p.Arg767Gln). The frequency data for this variant in the population databases is considered unreliable, as metrics indicate poor data quality at this position in the gnomAD database. This missense change has been observed in individual(s) with autosomal recessive osteopetrosis (PMID: 14584882). Invitae Evidence Modeling of protein sequence and biophysical properties (such as structural, functional, and spatial information, amino acid conservation, physicochemical variation, residue mobility, and thermodynamic stability) indicates that this missense variant is expected to disrupt CLCN7 protein function with a positive predictive value of 95%. Experimental studies are conflicting or provide insufficient evidence to determine the effect of this variant on CLCN7 function (PMID: 21527911). This variant disrupts the p.Arg767 amino acid residue in CLCN7. Other variant(s) that disrupt this residue have been observed in individuals with CLCN7-related conditions (PMID: 14584882, 19953639), which suggests that this may be a clinically significant amino acid residue. In summary, the available evidence is currently insufficient to determine the role of this variant in disease. Therefore, it has been classified as a Variant of Uncertain Significance.

Literature cited by the submitters: PubMed 14584882; PubMed 21527911; PubMed 19953639.